The following is an entry in ClinVar:

NM_000214.3(JAG1):c.1462A>T (p.Ile488Phe)

Gene: JAG1 (jagged canonical Notch ligand 1; minus strand). Cytogenetic location: 20p12.2.
Variant type: single nucleotide variant.
Coding change: c.1462A>T on transcript NM_000214.3 (MANE Select); coding-DNA position 1462, A replaced by T.
Protein change: p.Ile488Phe; replaces isoleucine 488 with phenylalanine.
Molecular consequence: missense variant.
Genome position (GRCh38, 1-based): chr20:10,648,656, T>A on the plus strand (A>T on the coding strand, the complement: JAG1 is on the minus strand). VCF-style: chr20-10648656-T-A. GRCh37 (hg19) VCF-style: chr20-10629304-T-A.
Other names: short protein forms I488F.
Identifiers: ClinVar variation 3230612 (VCV003230612.2), dbSNP rs1374195197, ClinGen allele CA408237803.

ClinVar aggregate classification (germline): Uncertain significance. Review status: criteria provided, multiple submitters, no conflicts (2 of 4 stars). 2 submissions from 2 submitters: Uncertain significance (2). Last evaluated 2024-01-03.

Conditions:
Cardiovascular phenotype. Identifiers: MedGen CN230736.

Submissions (2):

Ambry Genetics
Classification: Uncertain significance for Cardiovascular phenotype. Last evaluated: 2024-01-03. Review status: criteria provided, single submitter. Criteria: Ambry Variant Classification Scheme 2023. Collection method: clinical testing. Allele origin: germline.
Comment: The p.I488F variant (also known as c.1462A>T), located in coding exon 12 of the JAG1 gene, results from an A to T substitution at nucleotide position 1462. The isoleucine at codon 488 is replaced by phenylalanine, an amino acid with highly similar properties. This amino acid position is conserved. In addition, the in silico prediction for this alteration is inconclusive. Since supporting evidence is limited at this time, the clinical significance of this alteration remains unclear.

Blueprint Genetics
Classification: Uncertain significance. Last evaluated: 2022-06-06. Review status: criteria provided, single submitter. Criteria: ACMG Guidelines, 2015. Collection method: clinical testing. Allele origin: germline.